The following is an entry in ClinVar:

NM_003873.7(NRP1):c.1712A>T (p.His571Leu)

Gene: NRP1 (neuropilin 1; minus strand). Cytogenetic location: 10p11.22.
Variant type: single nucleotide variant.
Coding change: c.1712A>T on transcript NM_003873.7 (MANE Select); coding-DNA position 1712, A replaced by T.
Protein change: p.His571Leu; replaces histidine 571 with leucine.
Molecular consequence: missense variant. On other transcripts: non-coding transcript variant (1).
Genome position (GRCh38, 1-based): chr10:33,207,619, T>A on the plus strand (A>T on the coding strand, the complement: NRP1 is on the minus strand). VCF-style: chr10-33207619-T-A. GRCh37 (hg19) VCF-style: chr10-33496547-T-A.
Other names: c.1712A>T, p.His571Leu (NM_001024628.3, NM_001024629.3, NM_001244972.2 and 2 more transcripts); short protein forms H571L.
Identifiers: ClinVar variation 3353598 (VCV003353598.2).

ClinVar aggregate classification (germline): Uncertain significance. Review status: criteria provided, single submitter (1 of 4 stars). 2 submissions from 2 submitters: Uncertain significance (1). 1 of the submissions does not count toward it. Last evaluated 2024-07-07.

Conditions:
NRP1-related disorder. Also called: NRP1-related condition.

gnomAD v4.1: 67 of 1,614,062 alleles (0.0042%); highest among the groups gnomAD compares: Non-Finnish European, 0.0055%; no homozygotes.

Submissions (2):

Ambry Genetics
Classification: Uncertain significance. Last evaluated: 2024-07-07. Review status: criteria provided, single submitter. Criteria: Ambry Variant Classification Scheme 2023. Collection method: clinical testing. Allele origin: germline.

PreventionGenetics, part of Exact Sciences
Classification: Uncertain significance for NRP1-related condition. Last evaluated: 2024-07-10. Review status: no assertion criteria provided. Collection method: clinical testing. Allele origin: germline. Not counted in ClinVar's aggregate classification.
Comment: The NRP1 c.1712A>T variant is predicted to result in the amino acid substitution p.His571Leu. To our knowledge, this variant has not been reported in the literature. This variant is reported in 0.0031% of alleles in individuals of European (Non-Finnish) descent in gnomAD. At this time, the clinical significance of this variant is uncertain due to the absence of conclusive functional and genetic evidence.